The following is an entry in ClinVar:

NM_000326.5(RLBP1):c.508G>T (p.Glu170Ter)

Gene: RLBP1 (retinaldehyde binding protein 1; minus strand). Cytogenetic location: 15q26.1.
Variant type: single nucleotide variant.
Coding change: c.508G>T on transcript NM_000326.5 (MANE Select); coding-DNA position 508, G replaced by T.
Protein change: p.Glu170Ter; replaces glutamic acid 170 with a stop codon.
Molecular consequence: nonsense.
Genome position (GRCh38, 1-based): chr15:89,215,077, C>A on the plus strand (G>T on the coding strand, the complement: RLBP1 is on the minus strand). VCF-style: chr15-89215077-C-A. GRCh37 (hg19) VCF-style: chr15-89758308-C-A.
Other names: short protein forms E170*.
Identifiers: ClinVar variation 1458059 (VCV001458059.6), dbSNP rs1450389945, ClinGen allele CA393729553.

ClinVar aggregate classification (germline): Pathogenic (1 of 4 stars; one submission).

Allele frequency attached by ClinVar (database versions not stated): gnomAD exomes below 0.00001; TOPMed below 0.00001.
gnomAD v4.1: 6 of 1,614,218 alleles (0.00037%); highest among the groups gnomAD compares: Non-Finnish European, 0.00051%; no homozygotes.

Submission:

Labcorp Genetics (formerly Invitae), Labcorp
Classification: Pathogenic. Last evaluated: 2026-01-17. Review status: criteria provided, single submitter. Criteria: Invitae Variant Classification Sherloc (09022015). Collection method: clinical testing. Allele origin: germline.
Comment: This sequence change creates a premature translational stop signal (p.Glu170*) in the RLBP1 gene. It is expected to result in an absent or disrupted protein product. Loss-of-function variants in RLBP1 are known to be pathogenic (PMID: 2392416, 11301032, 21447491, 25429852). This variant is not present in population databases (gnomAD no frequency). This premature translational stop signal has been observed in individual(s) with retinitis pigmentosa (PMID: 25429852, 32531858). ClinVar contains an entry for this variant (Variation ID: 1458059). For these reasons, this variant has been classified as Pathogenic.

Literature cited by the submitters: PubMed 2392416; PubMed 11301032; PubMed 21447491; PubMed 25429852; PubMed 32531858.